The following is an entry in ClinVar:

ClinVar aggregate classification (germline): Uncertain significance. Review status: criteria provided, multiple submitters, no conflicts (2 of 4 stars). 2 submissions from 2 submitters: Uncertain significance (2). Last evaluated 2024-04-05.

Conditions:
Hereditary cancer-predisposing syndrome. Also called: Tumor predisposition; Hereditary Cancer Syndrome; Neoplastic Syndromes, Hereditary; Hereditary neoplastic syndrome. Identifiers: Orphanet 140162, MedGen C0027672, MeSH D009386, MONDO:0015356.
Neuroblastoma, susceptibility to, 3. Also called: ALK-Related Neuroblastic Tumor Susceptibility. Identifiers: Orphanet 635, MedGen C2751681, MONDO:0013083, OMIM 613014.

gnomAD v4.1: 2 of 1,614,144 alleles (0.00012%); highest among the groups gnomAD compares: Non-Finnish European, 0.00017%; no homozygotes.

Submissions (2):

Ambry Genetics
Classification: Uncertain significance for Hereditary cancer-predisposing syndrome. Last evaluated: 2024-04-05. Review status: criteria provided, single submitter. Criteria: Ambry Variant Classification Scheme 2023. Collection method: clinical testing. Allele origin: germline.
Comment: The p.W288C variant (also known as c.864G>C), located in coding exon 3 of the ALK gene, results from a G to C substitution at nucleotide position 864. The tryptophan at codon 288 is replaced by cysteine, an amino acid with highly dissimilar properties. This amino acid position is conserved. In addition, the in silico prediction for this alteration is inconclusive. Based on the available evidence, the clinical significance of this variant remains unclear.

Labcorp Genetics (formerly Invitae), Labcorp
Classification: Uncertain significance for Neuroblastoma, susceptibility to, 3. Last evaluated: 2023-10-20. Review status: criteria provided, single submitter. Criteria: Invitae Variant Classification Sherloc (09022015). Collection method: clinical testing. Allele origin: germline.
Comment: This sequence change replaces tryptophan, which is neutral and slightly polar, with cysteine, which is neutral and slightly polar, at codon 288 of the ALK protein (p.Trp288Cys). This variant is not present in population databases (gnomAD no frequency). This variant has not been reported in the literature in individuals affected with ALK-related conditions. An algorithm developed to predict the effect of missense changes on protein structure and function (PolyPhen-2) suggests that this variant is likely to be disruptive. In summary, the available evidence is currently insufficient to determine the role of this variant in disease. Therefore, it has been classified as a Variant of Uncertain Significance.

NM_004304.5(ALK):c.864G>C (p.Trp288Cys)

Gene: ALK (ALK receptor tyrosine kinase; minus strand). Cytogenetic location: 2p23.2.
Variant type: single nucleotide variant.
Coding change: c.864G>C on transcript NM_004304.5 (MANE Select); coding-DNA position 864, G replaced by C.
Protein change: p.Trp288Cys; replaces tryptophan 288 with cysteine.
Molecular consequence: missense variant.
Genome position (GRCh38, 1-based): chr2:29,694,938, C>G on the plus strand (G>C on the coding strand, the complement: ALK is on the minus strand). VCF-style: chr2-29694938-C-G. GRCh37 (hg19) VCF-style: chr2-29917804-C-G.
Other names: c.864G>C (NM_004304.4); short protein forms W288C.
Identifiers: ClinVar variation 2954865 (VCV002954865.4), dbSNP rs1678509747, ClinGen allele CA346586980.